The following is an entry in ClinVar:

NM_006755.2(TALDO1):c.726C>T (p.Gly242=)

Gene: TALDO1 (transaldolase 1; plus strand). Cytogenetic location: 11p15.5.
Variant type: single nucleotide variant.
Coding change: c.726C>T on transcript NM_006755.2 (MANE Select); coding-DNA position 726, C replaced by T.
Protein change: p.Gly242=; no amino-acid change (glycine 242 retained).
Molecular consequence: synonymous variant.
Genome position (GRCh38, 1-based): chr11:763,835, C>T. VCF-style: chr11-763835-C-T. GRCh37 (hg19) VCF-style: chr11-763835-C-T.
Identifiers: ClinVar variation 306136 (VCV000306136.7), dbSNP rs764708645, ClinGen allele CA5788280.

ClinVar aggregate classification (germline): Uncertain significance. Review status: criteria provided, multiple submitters, no conflicts (2 of 4 stars). 3 submissions from 3 submitters: Uncertain significance (3). Last evaluated 2025-04-10.

Conditions:
Deficiency of transaldolase. Also called: EYAID SYNDROME. Identifiers: Orphanet 101028, MedGen C1291329, MONDO:0011624, OMIM 606003.

Allele frequency attached by ClinVar (database versions not stated): TOPMed 0.00003; gnomAD 0.00004; gnomAD exomes 0.00004; ExAC 0.00006.
gnomAD v4.1: 47 of 1,613,914 alleles (0.0029%); highest among the groups gnomAD compares: Middle Eastern, 0.049%; no homozygotes.

Submissions (3):

GeneDx
Classification: Uncertain significance. Last evaluated: 2025-04-10. Review status: criteria provided, single submitter. Criteria: GeneDx Variant Classification Process June 2021. Collection method: clinical testing. Allele origin: germline. Affected: yes.
Comment: In silico analysis suggests this variant may impact gene splicing. In the absence of RNA/functional studies, the actual effect of this sequence change is unknown.; Has not been previously published as pathogenic or benign to our knowledge

Labcorp Genetics (formerly Invitae), Labcorp
Classification: Uncertain significance. Last evaluated: 2022-06-04. Review status: criteria provided, single submitter. Criteria: Invitae Variant Classification Sherloc (09022015). Collection method: clinical testing. Allele origin: germline.
Comment: This sequence change affects codon 242 of the TALDO1 mRNA. It is a 'silent' change, meaning that it does not change the encoded amino acid sequence of the TALDO1 protein. The frequency data for this variant in the population databases is considered unreliable, as metrics indicate poor data quality at this position in the gnomAD database. This variant has not been reported in the literature in individuals affected with TALDO1-related conditions. ClinVar contains an entry for this variant (Variation ID: 306136). Algorithms developed to predict the effect of sequence changes on RNA splicing suggest that this variant may create or strengthen a splice site. In summary, the available evidence is currently insufficient to determine the role of this variant in disease. Therefore, it has been classified as a Variant of Uncertain Significance.

Illumina Laboratory Services, Illumina
Classification: Uncertain significance for Deficiency of transaldolase. Last evaluated: 2018-01-13. Review status: criteria provided, single submitter. Criteria: ICSL Variant Classification Criteria 13 December 2019. Collection method: clinical testing. Allele origin: germline.